The following is an entry in ClinVar:

NM_133379.5(TTN):c.13863G>A (p.Met4621Ile)

Gene: TTN (titin; minus strand). Cytogenetic location: 2q31.2.
Variant type: single nucleotide variant.
Coding change: c.13863G>A on transcript NM_133379.5; coding-DNA position 13863, G replaced by A.
Protein change: p.Met4621Ile; replaces methionine 4621 with isoleucine.
Molecular consequence: missense variant. On other transcripts: intron variant (6).
Genome position (GRCh38, 1-based): chr2:178,748,537, C>T on the plus strand (G>A on the coding strand, the complement: TTN is on the minus strand). VCF-style: chr2-178748537-C-T. GRCh37 (hg19) VCF-style: chr2-179613264-C-T.
Other names: c.10597+4587G>A (NM_133432.3); c.10360+4587G>A (NM_133378.4, NM_001256850.1); c.10222+4587G>A (NM_003319.4); c.10798+4587G>A (NM_133437.4); c.11311+4587G>A (NM_001267550.2); short protein forms M4621I.
Identifiers: ClinVar variation 192176 (VCV000192176.11), dbSNP rs77419653, ClinGen allele CA238525.
Genomic context (GRCh38, chr2:178,748,537, plus strand): 5'-CTGCTGTTCCCTAGTTTCTTGCCCTTGGAACTCCAGAGCTGGATCTCCTATATGAGAATA[C>T]ATTTGTTTTAGATCAAATACAATGTTCTCAGTGTCAGCAGGATGTTGGATTTTAAAATAA-3'

ClinVar aggregate classification (germline): Benign/Likely benign. Review status: criteria provided, multiple submitters, no conflicts (2 of 4 stars). 9 submissions from 9 submitters: Benign (3); Likely benign (4). 2 of the submissions do not count toward it. Last evaluated 2026-09-21.

Allele frequency attached by ClinVar (database versions not stated): ESP Exome Variant Server 0.00023; gnomAD 0.00403 and 0.00419; 1000 Genomes Project 0.00859; gnomAD exomes 0.00648; 1000 Genomes Project 30x 0.00765; TOPMed 0.00196; ExAC 0.00623.
gnomAD v4.1: 4,196 of 1,612,976 alleles (0.26%); highest among the groups gnomAD compares: East Asian, 2.4%; 69 homozygotes.

Submissions (9):

Molecular Diagnostic Laboratory for Inherited Cardiovascular Disease, Montreal Heart Institute
Classification: Likely benign. Last evaluated: 2026-09-21. Review status: criteria provided, single submitter. Criteria: ACMG Guidelines, 2015. Collection method: clinical testing. Allele origin: germline. Affected: no.

Blueprint Genetics
Classification: Likely benign. Last evaluated: 2024-11-25. Review status: criteria provided, single submitter. Criteria: ACMG Guidelines, 2015. Collection method: clinical testing. Allele origin: germline.

ARUP Laboratories, Molecular Genetics and Genomics, ARUP Laboratories
Classification: Benign. Last evaluated: 2023-11-09. Review status: criteria provided, single submitter. Criteria: ARUP Molecular Germline Variant Investigation Process 2024. Collection method: clinical testing. Allele origin: germline.

Laboratory for Molecular Medicine, Mass General Brigham Personalized Medicine
Classification: Benign. Last evaluated: 2015-01-26. Review status: criteria provided, single submitter. Criteria: LMM Criteria. Collection method: clinical testing. Allele origin: germline. Observed: 3 variant alleles.
Comment: p.Met4621Ile in exon 46 of TTN: This variant is not expected to have clinical si gnificance because it has been identified in 4% (271/6738) of Finnish chromosome s and 3% (263/8686) of East Asian chromosomes by the Exome Aggregation Consortiu m (ExAC; dbSNP rs77419653).

GeneDx
Classification: Benign. Last evaluated: 2014-09-29. Review status: criteria provided, single submitter. Criteria: GeneDx Variant Classification (06012015). Collection method: clinical testing. Allele origin: germline. Affected: yes.
Comment: This variant is considered likely benign or benign based on one or more of the following criteria: it is a conservative change, it occurs at a poorly conserved position in the protein, it is predicted to be benign by multiple in silico algorithms, and/or has population frequency not consistent with disease.

Biesecker Lab/Clinical Genomics Section, National Institutes of Health
Classification: Likely benign. Last evaluated: 2013-06-24. Review status: criteria provided, single submitter. Criteria: Ng et al. (Circ Cardiovasc Genet. 2013). Collection method: research. Allele origin: unknown. Observed: 3 variant alleles. Study: ClinSeq.
Comment: The study set was not selected for affection status in relation to any cancer. Pathogenicity categories were based on literature curation. See Pubmed ID:23861362 for details.

Medical sequencing

Breakthrough Genomics
Classification: Likely benign. Review status: criteria provided, single submitter. Criteria: ACMG Guidelines, 2015. Collection method: not provided. Allele origin: germline. Inheritance: Autosomal recessive inheritance. Affected: yes.

Clinical Genetics, Academic Medical Center
Classification: Benign. Review status: no assertion criteria provided. Collection method: clinical testing. Allele origin: germline. Affected: yes. Study: VKGL Data-share Consensus. Not counted in ClinVar's aggregate classification.

Laboratory of Diagnostic Genome Analysis, Leiden University Medical Center (LUMC)
Classification: Likely benign. Review status: no assertion criteria provided. Collection method: clinical testing. Allele origin: germline. Affected: yes. Study: VKGL Data-share Consensus. Not counted in ClinVar's aggregate classification.